The following is an entry in ClinVar:

NM_031935.3(HMCN1):c.10532A>G (p.Glu3511Gly)

Gene: HMCN1 (hemicentin 1; plus strand). Cytogenetic location: 1q31.1.
Variant type: single nucleotide variant.
Coding change: c.10532A>G on transcript NM_031935.3 (MANE Select); coding-DNA position 10532, A replaced by G.
Protein change: p.Glu3511Gly; replaces glutamic acid 3511 with glycine.
Molecular consequence: missense variant.
Genome position (GRCh38, 1-based): chr1:186,095,480, A>G. VCF-style: chr1-186095480-A-G. GRCh37 (hg19) VCF-style: chr1-186064612-A-G.
Other names: c.10532A>G (NM_031935.2); short protein forms E3511G.
Identifiers: ClinVar variation 1515329 (VCV001515329.9), dbSNP rs143629026, ClinGen allele CA1293741.

ClinVar aggregate classification (germline): Conflicting classifications of pathogenicity. Review status: criteria provided, conflicting classifications (1 of 4 stars). 3 submissions from 3 submitters: Uncertain significance (1); Likely benign (1). 1 of the submissions does not count toward it. Last evaluated 2025-12-11.

Conditions:
HMCN1-related disorder. Also called: HMCN1-related condition.

Allele frequency attached by ClinVar (database versions not stated): gnomAD exomes 0.00008 and 0.00014; ExAC 0.00020; 1000 Genomes Project 0.00060; 1000 Genomes Project 30x 0.00062; gnomAD 0.00062 and 0.00063; TOPMed 0.00066; ESP Exome Variant Server 0.00123.
gnomAD v4.1: 219 of 1,613,648 alleles (0.014%); highest among the groups gnomAD compares: African/African-American, 0.24%; no homozygotes.

Submissions (3):

Labcorp Genetics (formerly Invitae), Labcorp
Classification: Likely benign. Last evaluated: 2025-12-11. Review status: criteria provided, single submitter. Criteria: Invitae Variant Classification Sherloc (09022015). Collection method: clinical testing. Allele origin: germline.

Ambry Genetics
Classification: Uncertain significance. Last evaluated: 2024-09-27. Review status: criteria provided, single submitter. Criteria: Ambry Variant Classification Scheme 2023. Collection method: clinical testing. Allele origin: germline.

PreventionGenetics, part of Exact Sciences
Classification: Likely benign for HMCN1-related condition. Last evaluated: 2023-04-28. Review status: no assertion criteria provided. Collection method: clinical testing. Allele origin: germline. Not counted in ClinVar's aggregate classification.
Comment: This variant is classified as likely benign based on ACMG/AMP sequence variant interpretation guidelines (Richards et al. 2015 PMID: 25741868, with internal and published modifications).